The following is an entry in ClinVar:

NM_004360.5(CDH1):c.1285C>G (p.Pro429Ala)

Gene: CDH1 (cadherin 1; plus strand). Cytogenetic location: 16q22.1.
Variant type: single nucleotide variant.
Coding change: c.1285C>G on transcript NM_004360.5 (MANE Select); coding-DNA position 1285, C replaced by G.
Protein change: p.Pro429Ala; replaces proline 429 with alanine.
Molecular consequence: missense variant. On other transcripts: 5 prime UTR variant (2), intron variant (1).
Genome position (GRCh38, 1-based): chr16:68,813,460, C>G. VCF-style: chr16-68813460-C-G. GRCh37 (hg19) VCF-style: chr16-68847363-C-G.
Other names: c.-331C>G (NM_001317185.2); c.-535C>G (NM_001317186.2); c.1137+1197C>G (NM_001317184.2); short protein forms P429A.
Identifiers: ClinVar variation 818800 (VCV000818800.5), dbSNP rs1597896121, ClinGen allele CA396461770.
Genomic context (GRCh38, chr16:68,813,460, plus strand): 5'-TGGGAGGCTGTATACACCATATTGAATGATGATGGTGGACAATTTGTCGTCACCACAAAT[C>G]CAGTGAACAACGATGGCATTTTGAAAACAGCAAAGGTTTGTATGGTACCTGGCAAGATGC-3'
Protein context (NP_004351.1, residues 419-439): DGGQFVVTTN[Pro429Ala]VNNDGILKTA

ClinVar aggregate classification (germline): Uncertain significance (1 of 4 stars; one submission).

Conditions:
Hereditary cancer-predisposing syndrome. Also called: Tumor predisposition; Hereditary neoplastic syndrome; Neoplastic Syndromes, Hereditary; Hereditary Cancer Syndrome. Identifiers: Orphanet 140162, MedGen C0027672, MeSH D009386, MONDO:0015356.

Submission:

Ambry Genetics
Classification: Uncertain significance for Hereditary cancer-predisposing syndrome. Last evaluated: 2024-11-01. Review status: criteria provided, single submitter. Criteria: Ambry Variant Classification Scheme 2023. Collection method: clinical testing. Allele origin: germline.
Comment: The p.P429A variant (also known as c.1285C>G), located in coding exon 9 of the CDH1 gene, results from a C to G substitution at nucleotide position 1285. The proline at codon 429 is replaced by alanine, an amino acid with highly similar properties. This amino acid position is well conserved in available vertebrate species. In addition, the in silico prediction for this alteration is inconclusive. Based on the available evidence, the clinical significance of this variant remains unclear.